The following is an entry in ClinVar:

ClinVar aggregate classification (germline): Likely benign. Review status: criteria provided, multiple submitters, no conflicts (2 of 4 stars). 2 submissions from 2 submitters: Likely benign (2). Last evaluated 2024-12-01.

Allele frequency attached by ClinVar (database versions not stated): TOPMed below 0.00001; ExAC 0.00001.
gnomAD v4.1: 10 of 1,612,722 alleles (0.00062%); highest among the groups gnomAD compares: South Asian, 0.0011%; no homozygotes.

Submissions (2):

CeGaT Center for Human Genetics Tuebingen
Classification: Likely benign. Last evaluated: 2024-12-01. Review status: criteria provided, single submitter. Criteria: CeGaT Center For Human Genetics Tuebingen Variant Classification Criteria Version 2. Collection method: clinical testing. Allele origin: germline. Affected: yes. Observed: 1 variant allele.
Comment: LRP2: BP4, BP7

Labcorp Genetics (formerly Invitae), Labcorp
Classification: Likely benign. Last evaluated: 2023-08-11. Review status: criteria provided, single submitter. Criteria: Invitae Variant Classification Sherloc (09022015). Collection method: clinical testing. Allele origin: germline.

NM_004525.3(LRP2):c.2571C>T (p.Asp857=)

Gene: LRP2 (LDL receptor related protein 2; minus strand). Cytogenetic location: 2q31.1.
Variant type: single nucleotide variant.
Coding change: c.2571C>T on transcript NM_004525.3 (MANE Select); coding-DNA position 2571, C replaced by T.
Protein change: p.Asp857=; no amino-acid change (aspartic acid 857 retained).
Molecular consequence: synonymous variant.
Genome position (GRCh38, 1-based): chr2:169,257,192, G>A on the plus strand (C>T on the coding strand, the complement: LRP2 is on the minus strand). VCF-style: chr2-169257192-G-A. GRCh37 (hg19) VCF-style: chr2-170113702-G-A.
Identifiers: ClinVar variation 1949831 (VCV001949831.18), dbSNP rs745850795, ClinGen allele CA1955261.